The following is an entry in ClinVar:

NM_019098.5(CNGB3):c.493+1G>T

Gene: CNGB3 (cyclic nucleotide gated channel subunit beta 3; minus strand). Cytogenetic location: 8q21.3.
Variant type: single nucleotide variant.
Coding change: c.493+1G>T on transcript NM_019098.5 (MANE Select); the canonical splice donor site of the intron after coding-DNA position 493, G replaced by T.
Molecular consequence: splice donor variant.
Genome position (GRCh38, 1-based): chr8:86,670,943, C>A on the plus strand (G>T on the coding strand, the complement: CNGB3 is on the minus strand). VCF-style: chr8-86670943-C-A. GRCh37 (hg19) VCF-style: chr8-87683171-C-A.
Identifiers: ClinVar variation 2851638 (VCV002851638.3), dbSNP rs2131618846, ClinGen allele CA371450023.
Genomic context (GRCh38, chr8:86,670,943, plus strand): 5'-GCAAAACACAGGTCCCCTCAGCACTTCTTTCTTCCCAGTACTTGGAGGGAGCAATGCTTA[C>A]CAGTTTGTGGGCTGGCTTCGGGTGAGGAGAGATCTCCCTCTACCAACTTTTTCTTGTAGA-3'

ClinVar aggregate classification (germline): Likely pathogenic (1 of 4 stars; one submission).

Submission:

Labcorp Genetics (formerly Invitae), Labcorp
Classification: Likely pathogenic. Last evaluated: 2023-04-03. Review status: criteria provided, single submitter. Criteria: Invitae Variant Classification Sherloc (09022015). Collection method: clinical testing. Allele origin: germline.
Comment: In summary, the currently available evidence indicates that the variant is pathogenic, but additional data are needed to prove that conclusively. Therefore, this variant has been classified as Likely Pathogenic. Algorithms developed to predict the effect of sequence changes on RNA splicing suggest that this variant may disrupt the consensus splice site. This variant has not been reported in the literature in individuals affected with CNGB3-related conditions. This variant is not present in population databases (gnomAD no frequency). This sequence change affects a donor splice site in intron 4 of the CNGB3 gene. It is expected to disrupt RNA splicing. Variants that disrupt the donor or acceptor splice site typically lead to a loss of protein function (PMID: 16199547), and loss-of-function variants in CNGB3 are known to be pathogenic (PMID: 28795510).

Literature cited by the submitters: PubMed 16199547; PubMed 28795510.